The following is an entry in ClinVar:

NM_014795.4(ZEB2):c.73+841dup

Gene: ZEB2 (zinc finger E-box binding homeobox 2; minus strand). Cytogenetic location: 2q22.3.
Variant type: Duplication.
Coding change: c.73+841dup on transcript NM_014795.4 (MANE Select); 841 bases into the intron after coding-DNA position 73, one base duplicated (G; older notation c.73+841dupG).
Molecular consequence: intron variant.
Genome position (GRCh38, 1-based): chr2:144,516,437, C duplicated on the plus strand (G on the coding strand, the reverse complement: ZEB2 is on the minus strand); the first of 8 consecutive C bases (chr2:144,516,437-144,516,444); duplicating any one gives the same sequence. VCF-style (leftmost placement, unchanged base first): chr2-144516436-A-AC. GRCh37 (hg19) VCF-style: chr2-145274003-A-AC.
Other names: c.73+841dup (NM_001171653.2).
Identifiers: ClinVar variation 3255268 (VCV003255268.2), dbSNP rs68189842.

ClinVar aggregate classification (germline): Benign (1 of 4 stars; one submission).

Submission:

Unidad de Genómica Garrahan, Hospital de Pediatría Garrahan
Classification: Benign. Last evaluated: 2024-07-15. Review status: criteria provided, single submitter. Criteria: ACMG Guidelines, 2015. Collection method: clinical testing. Allele origin: germline. Affected: no. Observed: 50 variant alleles.
Comment: This variant is classified as Benign based on local population frequency. This variant was detected in 54% of patients studied in a panel designed for Epileptic and Developmental Encephalopathy and Progressive Myoclonus Epilepsy. Number of patients: 50. Only high quality variants are reported.